The following is an entry in ClinVar:

ClinVar aggregate classification (germline): Likely benign. Review status: criteria provided, single submitter (1 of 4 stars). 2 submissions from 2 submitters: Likely benign (1). 1 of the submissions does not count toward it. Last evaluated 2026-01-01.

Conditions:
NFASC-related disorder. Also called: NFASC-related condition.

Allele frequency attached by ClinVar (database versions not stated): ESP Exome Variant Server 0.00015; 1000 Genomes Project 0.00080; 1000 Genomes Project 30x 0.00094.
gnomAD v4.1: 766 of 1,614,216 alleles (0.047%); highest among the groups gnomAD compares: South Asian, 0.42%; 7 homozygotes.

Submissions (2):

CeGaT Center for Human Genetics Tuebingen
Classification: Likely benign. Last evaluated: 2026-01-01. Review status: criteria provided, single submitter. Criteria: CeGaT Center For Human Genetics Tuebingen Variant Classification Criteria Version 2. Collection method: clinical testing. Allele origin: germline. Affected: yes. Observed: 5 variant alleles.
Comment: NFASC: BP4, BP7

PreventionGenetics, part of Exact Sciences
Classification: Likely benign for NFASC-related condition. Last evaluated: 2019-04-03. Review status: no assertion criteria provided. Collection method: clinical testing. Allele origin: germline. Not counted in ClinVar's aggregate classification.
Comment: This variant is classified as likely benign based on ACMG/AMP sequence variant interpretation guidelines (Richards et al. 2015 PMID: 25741868, with internal and published modifications).

NM_001005388.3(NFASC):c.2703C>T (p.Ser901=)

Gene: NFASC (neurofascin; plus strand). Cytogenetic location: 1q32.1.
Variant type: single nucleotide variant.
Coding change: c.2703C>T on transcript NM_001005388.3 (MANE Select); coding-DNA position 2703, C replaced by T.
Protein change: p.Ser901=; no amino-acid change (serine 901 retained).
Molecular consequence: synonymous variant.
Genome position (GRCh38, 1-based): chr1:204,988,742, C>T. VCF-style: chr1-204988742-C-T. GRCh37 (hg19) VCF-style: chr1-204957870-C-T.
Other names: c.2703C>T (NM_001005388.2); c.3057C>T, p.Ser1019= (NM_001160331.2); c.3012C>T, p.Ser1004= (NM_001160332.2, NM_015090.4); c.2691C>T, p.Ser897= (NM_001365986.1); c.3024C>T, p.Ser1008= (NM_001378329.1).
Identifiers: ClinVar variation 2639842 (VCV002639842.25), dbSNP rs142292676, ClinGen allele CA1350421.